The following is an entry in ClinVar:

NM_030928.4(CDT1):c.32C>T (p.Ala11Val)

Gene: CDT1 (chromatin licensing and DNA replication factor 1; plus strand). Cytogenetic location: 16q24.3.
Variant type: single nucleotide variant.
Coding change: c.32C>T on transcript NM_030928.4 (MANE Select); coding-DNA position 32, C replaced by T.
Protein change: p.Ala11Val; replaces alanine 11 with valine.
Molecular consequence: missense variant.
Genome position (GRCh38, 1-based): chr16:88,803,863, C>T. VCF-style: chr16-88803863-C-T. GRCh37 (hg19) VCF-style: chr16-88870271-C-T.
Other names: short protein forms A11V.
Identifiers: ClinVar variation 2204173 (VCV002204173.3), dbSNP rs1295956463, ClinGen allele CA397069825.
Genomic context (GRCh38, chr16:88,803,863, plus strand): 5'-TCCTTGCTTTCGCCGCGCACTCCGCCGCCATGGAGCAGCGCCGCGTCACCGACTTCTTCG[C>T]GCGCCGCCGCCCCGGGCCCCCCCGCATCGCGCCGCCCAAGCTGGCCTGCCGCACCCCCAG-3'
Protein context (NP_112190.2, residues 1-21): MEQRRVTDFF[Ala11Val]RRRPGPPRIA

ClinVar aggregate classification (germline): Uncertain significance. Review status: criteria provided, multiple submitters, no conflicts (2 of 4 stars). 2 submissions from 2 submitters: Uncertain significance (2). Last evaluated 2024-05-18.

Conditions:
Inborn genetic diseases. Identifiers: MedGen C0950123, MeSH D030342.

Allele frequency attached by ClinVar (database versions not stated): gnomAD 0.00001; gnomAD exomes 0.00001; TOPMed 0.00001.

Submissions (2):

Labcorp Genetics (formerly Invitae), Labcorp
Classification: Uncertain significance. Last evaluated: 2024-05-18. Review status: criteria provided, single submitter. Criteria: Invitae Variant Classification Sherloc (09022015). Collection method: clinical testing. Allele origin: germline.
Comment: This sequence change replaces alanine, which is neutral and non-polar, with valine, which is neutral and non-polar, at codon 11 of the CDT1 protein (p.Ala11Val). The frequency data for this variant in the population databases is considered unreliable, as metrics indicate poor data quality at this position in the gnomAD database. This variant has not been reported in the literature in individuals affected with CDT1-related conditions. ClinVar contains an entry for this variant (Variation ID: 2204173). An algorithm developed to predict the effect of missense changes on protein structure and function (PolyPhen-2) suggests that this variant¬†is likely to be tolerated. In summary, the available evidence is currently insufficient to determine the role of this variant in disease. Therefore, it has been classified as a Variant of Uncertain Significance.

Ambry Genetics
Classification: Uncertain significance for Inborn genetic diseases. Last evaluated: 2021-06-18. Review status: criteria provided, single submitter. Criteria: Ambry Variant Classification Scheme 2023. Collection method: clinical testing. Allele origin: germline.